The following is an entry in ClinVar:

ClinVar aggregate classification (germline): Uncertain significance (1 of 4 stars; one submission).

Submission:

Labcorp Genetics (formerly Invitae), Labcorp
Classification: Uncertain significance. Last evaluated: 2023-04-10. Review status: criteria provided, single submitter. Criteria: Invitae Variant Classification Sherloc (09022015). Collection method: clinical testing. Allele origin: germline.
Comment: This sequence change replaces glycine, which is neutral and non-polar, with arginine, which is basic and polar, at codon 10 of the SLC25A32 protein (p.Gly10Arg). This variant is not present in population databases (gnomAD no frequency). This variant has not been reported in the literature in individuals affected with SLC25A32-related conditions. An algorithm developed to predict the effect of missense changes on protein structure and function (PolyPhen-2) suggests that this variant is likely to be tolerated. In summary, the available evidence is currently insufficient to determine the role of this variant in disease. Therefore, it has been classified as a Variant of Uncertain Significance.

NM_030780.5(SLC25A32):c.28G>A (p.Gly10Arg)

Gene: SLC25A32 (solute carrier family 25 member 32; minus strand). Cytogenetic location: 8q22.3.
Variant type: single nucleotide variant.
Coding change: c.28G>A on transcript NM_030780.5 (MANE Select); coding-DNA position 28, G replaced by A.
Protein change: p.Gly10Arg; replaces glycine 10 with arginine.
Molecular consequence: missense variant. On other transcripts: non-coding transcript variant (2).
Genome position (GRCh38, 1-based): chr8:103,414,910, C>T on the plus strand (G>A on the coding strand, the complement: SLC25A32 is on the minus strand). VCF-style: chr8-103414910-C-T. GRCh37 (hg19) VCF-style: chr8-104427138-C-T.
Other names: short protein forms G10R.
Identifiers: ClinVar variation 2779383 (VCV002779383.3), dbSNP rs1291910420, ClinGen allele CA371632475.
Genomic context (GRCh38, chr8:103,414,910, plus strand): 5'-CGCCCGCTATCAGGTTCTCATACCGGACGTGGCGGAATACCGTGCTCCACGCCGACGACC[C>T]GGACGCCGACTGGCCCTGGCCCGTCATAGGCTCGGGGCCCGTCGACACCACGGCGCCCAG-3'
Protein context (NP_110407.2, residues 1-20): MTGQGQSAS[Gly10Arg]SSAWSTVFRH